The following is an entry in ClinVar:

NM_001171613.2(PREPL):c.1849C>G (p.Leu617Val)

Genes: PREPL (prolyl endopeptidase like; minus strand), SLC3A1 (solute carrier family 3 member 1; plus strand). Cytogenetic location: 2p21.
Variant type: single nucleotide variant.
Coding change: c.1849C>G on transcript NM_001171613.2 (MANE Select); coding-DNA position 1849, C replaced by G.
Protein change: p.Leu617Val; replaces leucine 617 with valine.
Molecular consequence: missense variant. On other transcripts: 3 prime UTR variant (1).
Genome position (GRCh38, 1-based): chr2:44,321,424, G>C on the plus strand (C>G on the coding strand, the complement: PREPL is on the minus strand). VCF-style: chr2-44321424-G-C. GRCh37 (hg19) VCF-style: chr2-44548563-G-C.
Other names: c.*785G>C (NM_000341.4); c.1930C>G, p.Leu644Val (NM_001042385.2); c.1918C>G, p.Leu640Val (NM_001042386.2); c.2116C>G, p.Leu706Val (NM_001171603.1, NM_001171606.2, NM_001374275.1 and 2 more transcripts); c.1849C>G, p.Leu617Val (NM_001171617.1, NM_001374277.1); short protein forms L617V, L640V, L644V, L706V.
Identifiers: ClinVar variation 1010015 (VCV001010015.6), dbSNP rs150477781, ClinGen allele CA1640878.

ClinVar aggregate classification (germline): Uncertain significance. Review status: criteria provided, multiple submitters, no conflicts (2 of 4 stars). 2 submissions from 2 submitters: Uncertain significance (2). Last evaluated 2022-07-26.

Conditions:
Myasthenic syndrome, congenital, 22 (CMS22). Also called: PREPL DEFICIENCY. Identifiers: MedGen C4479088, MONDO:0044299, OMIM 616224.
Inborn genetic diseases. Identifiers: MedGen C0950123, MeSH D030342.

Allele frequency attached by ClinVar (database versions not stated): gnomAD exomes 0.00001 and 0.00003; ExAC 0.00003; gnomAD 0.00013 and 0.00014; ESP Exome Variant Server 0.00015; TOPMed 0.00018.
gnomAD v4.1: 40 of 1,612,646 alleles (0.0025%); highest among the groups gnomAD compares: African/African-American, 0.049%; no homozygotes.

Submissions (2):

Labcorp Genetics (formerly Invitae), Labcorp
Classification: Uncertain significance for Myasthenic syndrome, congenital, 22. Last evaluated: 2022-07-26. Review status: criteria provided, single submitter. Criteria: Invitae Variant Classification Sherloc (09022015). Collection method: clinical testing. Allele origin: germline.
Comment: This sequence change replaces leucine, which is neutral and non-polar, with valine, which is neutral and non-polar, at codon 706 of the PREPL protein (p.Leu706Val). This variant is present in population databases (rs150477781, gnomAD 0.07%). This variant has not been reported in the literature in individuals affected with PREPL-related conditions. ClinVar contains an entry for this variant (Variation ID: 1010015). Algorithms developed to predict the effect of missense changes on protein structure and function are either unavailable or do not agree on the potential impact of this missense change (SIFT: "Deleterious"; PolyPhen-2: "Probably Damaging"; Align-GVGD: "Class C0"). In summary, the available evidence is currently insufficient to determine the role of this variant in disease. Therefore, it has been classified as a Variant of Uncertain Significance.

Ambry Genetics
Classification: Uncertain significance for Inborn genetic diseases. Last evaluated: 2021-09-16. Review status: criteria provided, single submitter. Criteria: Ambry Variant Classification Scheme 2023. Collection method: clinical testing. Allele origin: germline.